The following is an entry in ClinVar:

ClinVar aggregate classification (germline): Uncertain significance. Review status: criteria provided, multiple submitters, no conflicts (2 of 4 stars). 2 submissions from 2 submitters: Uncertain significance (2). Last evaluated 2026-03-07.

Conditions:
Inborn genetic diseases. Identifiers: MedGen C0950123, MeSH D030342.

Submissions (2):

GeneDx
Classification: Uncertain significance. Last evaluated: 2026-03-07. Review status: criteria provided, single submitter. Criteria: GeneDx Variant Classification Process June 2021. Collection method: clinical testing. Allele origin: germline.
Comment: Not observed at significant frequency in large population cohorts (gnomAD); In silico analysis supports that this missense variant has a deleterious effect on protein structure/function; Has not been previously published as pathogenic or benign to our knowledge

Ambry Genetics
Classification: Uncertain significance for Inborn genetic diseases. Last evaluated: 2024-10-12. Review status: criteria provided, single submitter. Criteria: Ambry Variant Classification Scheme 2023. Collection method: clinical testing. Allele origin: germline.

NM_001829.4(CLCN3):c.1937A>G (p.Glu646Gly)

Gene: CLCN3 (Cl-/H+ antiporter 3; plus strand). Cytogenetic location: 4q33.
Variant type: single nucleotide variant.
Coding change: c.1937A>G on transcript NM_001829.4 (MANE Select); coding-DNA position 1937, A replaced by G.
Protein change: p.Glu646Gly; replaces glutamic acid 646 with glycine.
Molecular consequence: missense variant.
Genome position (GRCh38, 1-based): chr4:169,707,054, A>G. VCF-style: chr4-169707054-A-G. GRCh37 (hg19) VCF-style: chr4-170628205-A-G.
Other names: c.1856A>G, p.Glu619Gly (NM_001243372.2, NM_001243374.2); c.1937A>G, p.Glu646Gly (NM_173872.4); short protein forms E646G, E619G.
Identifiers: ClinVar variation 3493315 (VCV003493315.2).